The following is an entry in ClinVar:

ClinVar aggregate classification (germline): Uncertain significance (0 of 4 stars; one submission).

Conditions:
KMT2C-related disorder. Also called: KMT2C-related disorders; KMT2C-related condition.

Submission:

PreventionGenetics, part of Exact Sciences
Classification: Uncertain significance for KMT2C-related condition. Last evaluated: 2023-12-20. Review status: no assertion criteria provided. Collection method: clinical testing. Allele origin: germline.
Comment: The KMT2C c.9349G>C variant is predicted to result in the amino acid substitution p.Gly3117Arg. To our knowledge, this variant has not been reported in the literature or in a large population database, indicating this variant is rare. At this time, the clinical significance of this variant is uncertain due to the absence of conclusive functional and genetic evidence.

NM_170606.3(KMT2C):c.9349G>C (p.Gly3117Arg)

Gene: KMT2C (lysine methyltransferase 2C; minus strand). Cytogenetic location: 7q36.1.
Variant type: single nucleotide variant.
Coding change: c.9349G>C on transcript NM_170606.3 (MANE Select); coding-DNA position 9349, G replaced by C.
Protein change: p.Gly3117Arg; replaces glycine 3117 with arginine.
Molecular consequence: missense variant.
Genome position (GRCh38, 1-based): chr7:152,174,156, C>G on the plus strand (G>C on the coding strand, the complement: KMT2C is on the minus strand). VCF-style: chr7-152174156-C-G. GRCh37 (hg19) VCF-style: chr7-151871241-C-G.
Other names: short protein forms G3117R.
Identifiers: ClinVar variation 3029758 (VCV003029758.2), dbSNP rs2129110826, ClinGen allele CA370073587.